The following is an entry in ClinVar:

ClinVar aggregate classification (germline): Uncertain significance (1 of 4 stars; one submission).

Conditions:
Familial hemiplegic migraine. Identifiers: MedGen C0338484, MONDO:0000700.

Allele frequency attached by ClinVar (database versions not stated): gnomAD exomes below 0.00001.
gnomAD v4.1: 1 of 1,614,104 alleles (0.000062%); highest among the groups gnomAD compares: Non-Finnish European, 0.000085%; no homozygotes.

Submission:

Labcorp Genetics (formerly Invitae), Labcorp
Classification: Uncertain significance for Familial hemiplegic migraine. Last evaluated: 2024-04-16. Review status: criteria provided, single submitter. Criteria: Invitae Variant Classification Sherloc (09022015). Collection method: clinical testing. Allele origin: germline.
Comment: This sequence change replaces glutamic acid, which is acidic and polar, with alanine, which is neutral and non-polar, at codon 397 of the ATP1A2 protein (p.Glu397Ala). This variant is not present in population databases (gnomAD no frequency). This variant has not been reported in the literature in individuals affected with ATP1A2-related conditions. Advanced modeling of protein sequence and biophysical properties (such as structural, functional, and spatial information, amino acid conservation, physicochemical variation, residue mobility, and thermodynamic stability) performed at Invitae indicates that this missense variant is not expected to disrupt ATP1A2 protein function with a negative predictive value of 80%. In summary, the available evidence is currently insufficient to determine the role of this variant in disease. Therefore, it has been classified as a Variant of Uncertain Significance.

NM_000702.4(ATP1A2):c.1190A>C (p.Glu397Ala)

Gene: ATP1A2 (ATPase Na+/K+ transporting subunit alpha 2; plus strand). Cytogenetic location: 1q23.2.
Variant type: single nucleotide variant.
Coding change: c.1190A>C on transcript NM_000702.4 (MANE Select); coding-DNA position 1190, A replaced by C.
Protein change: p.Glu397Ala; replaces glutamic acid 397 with alanine.
Molecular consequence: missense variant.
Genome position (GRCh38, 1-based): chr1:160,128,824, A>C. VCF-style: chr1-160128824-A-C. GRCh37 (hg19) VCF-style: chr1-160098614-A-C.
Other names: short protein forms E397A.
Identifiers: ClinVar variation 2822195 (VCV002822195.3), dbSNP rs2524868340, ClinGen allele CA343239763.
Genomic context (GRCh38, chr1:160,128,824, plus strand): 5'-GCACCCTCACCCAGAACCGCATGACCGTCGCCCACATGTGGTTCGACAACCAAATCCATG[A>C]GGCTGACACCACCGAAGATCAGTCTGGTGATTGGGTGCTCCAGAGGGGGTGGATAGGATT-3'
Protein context (NP_000693.1, residues 387-407): AHMWFDNQIH[Glu397Ala]ADTTEDQSGA